The following is an entry in ClinVar:

NM_130384.3(ATRIP):c.399A>C (p.Glu133Asp)

Genes: ATRIP (ATR interacting protein; plus strand), ATRIP-TREX1 (ATRIP-TREX1 readthrough; plus strand). Cytogenetic location: 3p21.31.
Variant type: single nucleotide variant.
Coding change: c.399A>C on transcript NM_130384.3 (MANE Select); coding-DNA position 399, A replaced by C.
Protein change: p.Glu133Asp; replaces glutamic acid 133 with aspartic acid.
Molecular consequence: missense variant. On other transcripts: non-coding transcript variant (1).
Genome position (GRCh38, 1-based): chr3:48,451,746, A>C. VCF-style: chr3-48451746-A-C. GRCh37 (hg19) VCF-style: chr3-48493152-A-C.
Other names: c.18A>C, p.Glu6Asp (NM_001271022.2); c.120A>C, p.Glu40Asp (NM_001271023.2); c.399A>C, p.Glu133Asp (NM_032166.4); short protein forms E40D, E6D, E133D.
Identifiers: ClinVar variation 4644606 (VCV004644606.1).

ClinVar aggregate classification (germline): Uncertain significance (1 of 4 stars; one submission).

Submission:

Ambry Genetics
Classification: Uncertain significance. Last evaluated: 2025-12-07. Review status: criteria provided, single submitter. Criteria: Ambry Variant Classification Scheme 2023. Collection method: clinical testing. Allele origin: germline.
Comment: The p.E133D variant (also known as c.399A>C), located in coding exon 3 of the ATRIP gene, results from an A to C substitution at nucleotide position 399. The glutamic acid at codon 133 is replaced by aspartic acid, an amino acid with highly similar properties. This amino acid position is conserved. In addition, this alteration is predicted to be tolerated by in silico analysis. Based on the available evidence, the clinical significance of this variant remains unclear.